The following is an entry in ClinVar:

ClinVar aggregate classification (germline): Benign/Likely benign. Review status: criteria provided, multiple submitters, no conflicts (2 of 4 stars). 5 submissions from 5 submitters: Benign (2); Likely benign (3). Last evaluated 2025-12-20.

Conditions:
Cardiovascular phenotype. Identifiers: MedGen CN230736.
SCN10A-related disorder. Also called: SCN10A-related condition.
Brugada syndrome. Also called: Sudden unexpected nocturnal death syndrome; Sudden unexplained nocturnal death syndrome; Sudden Unexplained Death Syndrome; Sudden Unexplained Nocturnal Death Syndrome (SUNDS). Identifiers: Orphanet 130, MedGen C1142166, MONDO:0015263.

Allele frequency attached by ClinVar (database versions not stated): TOPMed 0.00010; gnomAD 0.00011 and 0.00012; gnomAD exomes 0.00017 and 0.00024; ExAC 0.00021.
gnomAD v4.1: 287 of 1,614,104 alleles (0.018%); highest among the groups gnomAD compares: Middle Eastern, 0.13%; 2 homozygotes.

Submissions (5):

Labcorp Genetics (formerly Invitae), Labcorp
Classification: Benign for Brugada syndrome. Last evaluated: 2025-12-20. Review status: criteria provided, single submitter. Criteria: Invitae Variant Classification Sherloc (09022015). Collection method: clinical testing. Allele origin: germline.

PreventionGenetics, part of Exact Sciences
Classification: Likely benign for SCN10A-related condition. Last evaluated: 2025-12-16. Review status: criteria provided, single submitter. Criteria: ACMG Guidelines, 2015. Collection method: clinical testing. Allele origin: germline.
Comment: This variant is classified as likely benign based on ACMG/AMP sequence variant interpretation guidelines (Richards et al. 2015 PMID: 25741868, with internal and published modifications).

Blueprint Genetics
Classification: Likely benign. Last evaluated: 2024-10-02. Review status: criteria provided, single submitter. Criteria: ACMG Guidelines, 2015. Collection method: clinical testing. Allele origin: germline.

Ambry Genetics
Classification: Benign for Cardiovascular phenotype. Last evaluated: 2020-08-04. Review status: criteria provided, single submitter. Criteria: Ambry Variant Classification Scheme 2023. Collection method: clinical testing. Allele origin: germline.

GeneDx
Classification: Likely benign. Last evaluated: 2019-01-03. Review status: criteria provided, single submitter. Criteria: GeneDx Variant Classification Process June 2021. Collection method: clinical testing. Allele origin: germline. Affected: yes.

NM_006514.4(SCN10A):c.2814C>T (p.Phe938=)

Genes: SCN10A (sodium voltage-gated channel alpha subunit 10; minus strand), LOC110121288 (VISTA enhancer hs2268; plus strand). Cytogenetic location: 3p22.2.
Variant type: single nucleotide variant.
Coding change: c.2814C>T on transcript NM_006514.4 (MANE Select); coding-DNA position 2814, C replaced by T.
Protein change: p.Phe938=; no amino-acid change (phenylalanine 938 retained).
Molecular consequence: synonymous variant.
Genome position (GRCh38, 1-based): chr3:38,726,879, G>A on the plus strand (C>T on the coding strand, the complement: SCN10A is on the minus strand). VCF-style: chr3-38726879-G-A. GRCh37 (hg19) VCF-style: chr3-38768370-G-A.
Other names: c.2814C>T, p.Phe938= (NM_001293306.2); c.2520C>T, p.Phe840= (NM_001293307.2).
Identifiers: ClinVar variation 463244 (VCV000463244.15), dbSNP rs200870389, ClinGen allele CA2320428.